The following is an entry in ClinVar:

NM_031263.4(HNRNPK):c.620_637del (p.Lys207_Leu212del)

Genes: HNRNPK (heterogeneous nuclear ribonucleoprotein K; minus strand), HNRNPK-AS1 (HNRNPK antisense RNA 1; plus strand). Cytogenetic location: 9q21.32.
Variant type: Deletion.
Coding change: c.620_637del on transcript NM_031263.4 (MANE Select); coding-DNA positions 620 to 637, 18 bases deleted (AGATCATCCTTGATCTTA).
Protein change: p.Lys207_Leu212del.
Molecular consequence: inframe deletion.
Genome position (GRCh38, 1-based): chr9:83,972,852-83,972,869, TAAGATCAAGGATGATCT deleted on the plus strand (AGATCATCCTTGATCTTA on the coding strand, the reverse complement: HNRNPK is on the minus strand); deleting any 18 consecutive bases within chr9:83,972,852-83,972,870 gives the same sequence; the c. name uses the placement nearest the transcript's 3' end. VCF-style (leftmost placement, unchanged base first): chr9-83972851-ATAAGATCAAGGATGATCT-A. GRCh37 (hg19) VCF-style: chr9-86587766-ATAAGATCAAGGATGATCT-A.
Other names: c.548_565del, p.Lys183_Leu188del (NM_001318186.2, NM_001318187.2); c.620_637del, p.Lys207_Leu212del (NM_001318188.2, NM_002140.5, NM_031262.4).
Identifiers: ClinVar variation 1704363 (VCV001704363.1), dbSNP rs2491980145, ClinGen allele CA2580080628.

ClinVar aggregate classification (germline): Likely pathogenic (1 of 4 stars; one submission).

Conditions:
Au-Kline syndrome. Also called: Neurodevelopmental disorder-craniofacial dysmorphism-cardiac defect-hip dysplasia syndrome due to a point mutation; Okamoto syndrome. Identifiers: Orphanet 2729, Orphanet 453499, Orphanet 453504, MedGen C4225274, MONDO:0014700, OMIM 616580.

Submission:

Johns Hopkins Genomics, Johns Hopkins University
Classification: Likely pathogenic for Au-Kline syndrome. Last evaluated: 2022-06-08. Review status: criteria provided, single submitter. Criteria: ACMG Guidelines, 2015. Collection method: clinical testing. Allele origin: germline.
Comment: This HNRNPK variant is absent from a large population dataset and has not been reported in the literature, to our knowledge. This 18-bp in-frame deletion* removes six amino acids (p.Lys207_Leu212del) at the boundary of the second KH domain (amino acids 144-209) of hnRNP K, a feature important for RNA binding. We consider c.620_637del to be likely pathogenic.

Literature cited by the submitters: PubMed 26173930; PubMed 29904177.